The following is an entry in ClinVar:

NM_001046.3(SLC12A2):c.77C>T (p.Ala26Val)

Genes: SLC12A2 (solute carrier family 12 member 2; plus strand), LOC129994526 (ATAC-STARR-seq lymphoblastoid silent region 16295; plus strand). Cytogenetic location: 5q23.3.
Variant type: single nucleotide variant.
Coding change: c.77C>T on transcript NM_001046.3 (MANE Select); coding-DNA position 77, C replaced by T.
Protein change: p.Ala26Val; replaces alanine 26 with valine.
Molecular consequence: missense variant. On other transcripts: non-coding transcript variant (1).
Genome position (GRCh38, 1-based): chr5:128,084,031, C>T. VCF-style: chr5-128084031-C-T. GRCh37 (hg19) VCF-style: chr5-127419723-C-T.
Other names: c.77C>T, p.Ala26Val (NM_001256461.2); short protein forms A26V.
Identifiers: ClinVar variation 4736751 (VCV004736751.1).

ClinVar aggregate classification (germline): Uncertain significance (1 of 4 stars; one submission).

gnomAD v4.1: 1 of 1,266,376 alleles (0.000079%); highest among the groups gnomAD compares: Non-Finnish European, 0.000099%; no homozygotes.

Submission:

Labcorp Genetics (formerly Invitae), Labcorp
Classification: Uncertain significance. Last evaluated: 2025-02-10. Review status: criteria provided, single submitter. Criteria: Invitae Variant Classification Sherloc (09022015). Collection method: clinical testing. Allele origin: germline.
Comment: This sequence change replaces alanine, which is neutral and non-polar, with valine, which is neutral and non-polar, at codon 26 of the SLC12A2 protein (p.Ala26Val). This variant is not present in population databases (gnomAD no frequency). This variant has not been reported in the literature in individuals affected with SLC12A2-related conditions. Invitae Evidence Modeling of protein sequence and biophysical properties (such as structural, functional, and spatial information, amino acid conservation, physicochemical variation, residue mobility, and thermodynamic stability) indicates that this missense variant is not expected to disrupt SLC12A2 protein function with a negative predictive value of 95%. In summary, the available evidence is currently insufficient to determine the role of this variant in disease. Therefore, it has been classified as a Variant of Uncertain Significance.